The following is an entry in ClinVar:

NM_000535.7(PMS2):c.2106del (p.Thr703fs)

Gene: PMS2 (PMS1 homolog 2, mismatch repair system component; minus strand). Cytogenetic location: 7p22.1.
Variant type: Deletion.
Coding change: c.2106del on transcript NM_000535.7 (MANE Select); coding-DNA position 2106, one base deleted (C; older notation c.2106delC).
Protein change: p.Thr703fs; shifts the reading frame from threonine 703.
Molecular consequence: frameshift variant. On other transcripts: non-coding transcript variant (1).
Genome position (GRCh38, 1-based): chr7:5,982,892, G deleted on the plus strand (C on the coding strand, the reverse complement: PMS2 is on the minus strand); the first of 2 consecutive G bases (chr7:5,982,892-5,982,893); deleting either gives the same sequence. VCF-style (leftmost placement, unchanged base first): chr7-5982891-TG-T. GRCh37 (hg19) VCF-style: chr7-6022522-TG-T.
Other names: c.1700delC, p.Thr568Argfs (NM_001018040.1, NM_001406887.1, NM_001406888.1 and 11 more transcripts); c.1701del, p.Thr568fs (NM_001322003.2, NM_001322004.2, NM_001322005.2 and 1 more transcripts); c.1950del, p.Thr651fs (NM_001322006.2); c.1788del, p.Thr597fs (NM_001322007.2, NM_001322008.2); c.1545del, p.Thr516fs (NM_001322010.2); c.1173del, p.Thr392fs (NM_001322011.2, NM_001322012.2); c.1533del, p.Thr512fs (NM_001322013.2); c.2106del, p.Thr703fs (NM_001322014.2); and 21 more; short protein forms T392fs, T568fs, T600fs, T651fs, T512fs, T597fs, T516fs, T703fs.
Identifiers: ClinVar variation 1785994 (VCV001785994.2), dbSNP rs2535538577, ClinGen allele CA2580076833.

ClinVar aggregate classification (germline): Pathogenic (1 of 4 stars; one submission).

Conditions:
Hereditary cancer-predisposing syndrome. Also called: Neoplastic Syndromes, Hereditary; Tumor predisposition; Hereditary Cancer Syndrome; Hereditary neoplastic syndrome. Identifiers: Orphanet 140162, MedGen C0027672, MeSH D009386, MONDO:0015356.

Submission:

Ambry Genetics
Classification: Pathogenic for Hereditary cancer-predisposing syndrome. Last evaluated: 2018-02-11. Review status: criteria provided, single submitter. Criteria: Ambry Variant Classification Scheme 2023. Collection method: clinical testing. Allele origin: germline.
Comment: The c.2106delC pathogenic mutation, located in coding exon 12 of the PMS2 gene, results from a deletion of one nucleotide at nucleotide position 2106, causing a translational frameshift with a predicted alternate stop codon (p.A702Afs*23). This alteration is expected to result in loss of function by premature protein truncation or nonsense-mediated mRNA decay. As such, this alteration is interpreted as a disease-causing mutation.